The following is an entry in ClinVar:

ClinVar aggregate classification (germline): Uncertain significance (1 of 4 stars; one submission).

Allele frequency attached by ClinVar (database versions not stated): TOPMed below 0.00001; ExAC 0.00001; gnomAD 0.00001; gnomAD exomes 0.00001.

Submission:

Labcorp Genetics (formerly Invitae), Labcorp
Classification: Uncertain significance. Last evaluated: 2022-06-05. Review status: criteria provided, single submitter. Criteria: Invitae Variant Classification Sherloc (09022015). Collection method: clinical testing. Allele origin: germline.
Comment: This variant has not been reported in the literature in individuals affected with ATF6-related conditions. This sequence change replaces serine, which is neutral and polar, with leucine, which is neutral and non-polar, at codon 430 of the ATF6 protein (p.Ser430Leu). This variant is present in population databases (rs753653742, gnomAD 0.002%). ClinVar contains an entry for this variant (Variation ID: 1471283). Algorithms developed to predict the effect of missense changes on protein structure and function (SIFT, PolyPhen-2, Align-GVGD) all suggest that this variant is likely to be tolerated. In summary, the available evidence is currently insufficient to determine the role of this variant in disease. Therefore, it has been classified as a Variant of Uncertain Significance.

NM_007348.4(ATF6):c.1289C>T (p.Ser430Leu)

Gene: ATF6 (activating transcription factor 6; plus strand). Cytogenetic location: 1q23.3.
Variant type: single nucleotide variant.
Coding change: c.1289C>T on transcript NM_007348.4 (MANE Select); coding-DNA position 1289, C replaced by T.
Protein change: p.Ser430Leu; replaces serine 430 with leucine.
Molecular consequence: missense variant.
Genome position (GRCh38, 1-based): chr1:161,846,550, C>T. VCF-style: chr1-161846550-C-T. GRCh37 (hg19) VCF-style: chr1-161816340-C-T.
Other names: short protein forms S430L.
Identifiers: ClinVar variation 1471283 (VCV001471283.6), dbSNP rs753653742, ClinGen allele CA1214421.